The following is an entry in ClinVar:

ClinVar aggregate classification (germline): Uncertain significance. Review status: criteria provided, multiple submitters, no conflicts (2 of 4 stars). 2 submissions from 2 submitters: Uncertain significance (2). Last evaluated 2026-06-27.

Conditions:
Inborn genetic diseases. Identifiers: MedGen C0950123, MeSH D030342.
PKD1-related disorder. Also called: PKD1-related condition.

Submissions (2):

PreventionGenetics, part of Exact Sciences
Classification: Uncertain significance for PKD1-related condition. Last evaluated: 2026-06-27. Review status: criteria provided, single submitter. Criteria: ACMG Guidelines, 2015. Collection method: clinical testing. Allele origin: germline.
Comment: The PKD1 c.5781C>A variant is predicted to result in the amino acid substitution p.Asn1927Lys. To our knowledge, this variant has not been reported in the literature or in a large population database (gnomAD), indicating this variant is rare. At this time, the clinical significance of this variant is uncertain due to the absence of conclusive functional and genetic evidence.

Ambry Genetics
Classification: Uncertain significance for Inborn genetic diseases. Last evaluated: 2024-10-08. Review status: criteria provided, single submitter. Criteria: Ambry Variant Classification Scheme 2023. Collection method: clinical testing. Allele origin: germline.

NM_001009944.3(PKD1):c.5781C>A (p.Asn1927Lys)

Gene: PKD1 (polycystin 1, transient receptor potential channel interacting; minus strand). Cytogenetic location: 16p13.3.
Variant type: single nucleotide variant.
Coding change: c.5781C>A on transcript NM_001009944.3 (MANE Select); coding-DNA position 5781, C replaced by A.
Protein change: p.Asn1927Lys; replaces asparagine 1927 with lysine.
Molecular consequence: missense variant.
Genome position (GRCh38, 1-based): chr16:2,109,386, G>T on the plus strand (C>A on the coding strand, the complement: PKD1 is on the minus strand). VCF-style: chr16-2109386-G-T. GRCh37 (hg19) VCF-style: chr16-2159387-G-T.
Other names: c.5781C>A, p.Asn1927Lys (NM_000296.4); short protein forms N1927K.
Identifiers: ClinVar variation 3419040 (VCV003419040.2).